The following is an entry in ClinVar:

ClinVar aggregate classification (germline): Uncertain significance (1 of 4 stars; one submission).

Allele frequency attached by ClinVar (database versions not stated): gnomAD exomes below 0.00001; gnomAD 0.00001.

Submission:

Labcorp Genetics (formerly Invitae), Labcorp
Classification: Uncertain significance. Last evaluated: 2021-07-13. Review status: criteria provided, single submitter. Criteria: Invitae Variant Classification Sherloc (09022015). Collection method: clinical testing. Allele origin: germline.
Comment: This variant has not been reported in the literature in individuals affected with SPEG-related conditions. Algorithms developed to predict the effect of missense changes on protein structure and function are either unavailable or do not agree on the potential impact of this missense change (SIFT: "Deleterious"; PolyPhen-2: "Benign"; Align-GVGD: "Class C0"). In summary, the available evidence is currently insufficient to determine the role of this variant in disease. Therefore, it has been classified as a Variant of Uncertain Significance. This variant is not present in population databases (ExAC no frequency). This sequence change replaces arginine with tryptophan at codon 150 of the SPEG protein (p.Arg150Trp). The arginine residue is moderately conserved and there is a moderate physicochemical difference between arginine and tryptophan.

NM_005876.5(SPEG):c.448C>T (p.Arg150Trp)

Gene: SPEG (striated muscle enriched protein kinase; plus strand). Cytogenetic location: 2q35.
Variant type: single nucleotide variant.
Coding change: c.448C>T on transcript NM_005876.5 (MANE Select); coding-DNA position 448, C replaced by T.
Protein change: p.Arg150Trp; replaces arginine 150 with tryptophan.
Molecular consequence: missense variant.
Genome position (GRCh38, 1-based): chr2:219,444,712, C>T. VCF-style: chr2-219444712-C-T. GRCh37 (hg19) VCF-style: chr2-220309434-C-T.
Other names: short protein forms R150W.
Identifiers: ClinVar variation 1354954 (VCV001354954.8), dbSNP rs1324038831, ClinGen allele CA350709979.
Genomic context (GRCh38, chr2:219,444,712, plus strand): 5'-GACTCAGAGACGGCTGAGGATGACATCAGCGATGTGCAGGGAACCCAGCGCCTGGAGCTT[C>T]GGGATGACGGGGCCTTCAGCACCCCCACGGGTGAGCTCCTGGGGTGTACAAAGAGCAGGC-3'
Protein context (NP_005867.3, residues 140-160): DVQGTQRLEL[Arg150Trp]DDGAFSTPTG